The following is an entry in ClinVar:

NC_000007.13:g.(108119824_108128202)_(108128398_108131853)del

Gene: PNPLA8 (patatin like phospholipase domain containing 8; minus strand). Cytogenetic location: 7q31.1.
Variant type: Deletion.
Identifiers: ClinVar variation 3375255 (VCV003375255.1).

ClinVar aggregate classification (germline): Uncertain significance (1 of 4 stars; one submission).

Submission:

Women's Health and Genetics/Laboratory Corporation of America, LabCorp
Classification: Uncertain significance. Last evaluated: 2024-09-30. Review status: criteria provided, single submitter. Criteria: LabCorp Variant Classification Summary - May 2015. Collection method: clinical testing. Allele origin: germline.
Comment: Variant summary: The variant involves the deletion of exon 10 in the PNPLA8 gene. A presumed nomenclature of c.(1683+1_1684-1)_(1878+1_1879-1)del has been designated for the purposes of this classification. This Copy Number Variant (CNV) is predicted to result in an in-frame deletion within this gene. The variant was absent in 21694 control chromosomes (gnomAD v4 SV dataset). The available data on variant occurrences in the general population are insufficient to allow any conclusion about variant significance. To our knowledge, no occurrence of c.(1683+1_1684-1)_(1878+1_1879-1)del in individuals affected with Mitochondrial Myopathy-Lactic Acidosis-Deafness Syndrome and no experimental evidence demonstrating its impact on protein function have been reported. No Pathogenic or Likely pathogenic missense/in-frame deletions within the deleted exon have been reported. No submitters have cited clinical-significance assessments for this variant to ClinVar. Based on the evidence outlined above, the variant was classified as uncertain significance.